The following is an entry in ClinVar:

NM_213647.3(FGFR4):c.1907G>T (p.Gly636Val)

Gene: FGFR4 (fibroblast growth factor receptor 4; plus strand). Cytogenetic location: 5q35.2.
Variant type: single nucleotide variant.
Coding change: c.1907G>T on transcript NM_213647.3 (MANE Select); coding-DNA position 1907, G replaced by T.
Protein change: p.Gly636Val; replaces glycine 636 with valine.
Molecular consequence: missense variant.
Genome position (GRCh38, 1-based): chr5:177,096,142, G>T. VCF-style: chr5-177096142-G-T. GRCh37 (hg19) VCF-style: chr5-176523143-G-T.
Other names: c.1703G>T, p.Gly568Val (NM_001291980.2); c.1907G>T, p.Gly636Val (NM_001354984.2, NM_002011.5); c.1787G>T, p.Gly596Val (NM_022963.3); short protein forms G568V, G596V, G636V.
Identifiers: ClinVar variation 4530033 (VCV004530033.1).

ClinVar aggregate classification (somatic clinical impact): Tier II - Potential (1 of 4 stars; one submission).

Conditions:
Embryonal rhabdomyosarcoma (ERMS). Also called: Botryoid rhabdomyosarcoma (type of ERMS); Spindle cell rhabdomyosarcomas (type of ERMS). Identifiers: Orphanet 99757, MedGen C0206656, MONDO:0009993, HP:0006743.

Submission:

Institute for Genomic Medicine (IGM) Clinical Laboratory, Nationwide Children's Hospital
Classification: Tier II - Potential for Embryonal rhabdomyosarcoma. Assertion type: diagnostic. Clinical significance: supports diagnosis. Last evaluated: 2024-03-19. Review status: criteria provided, single submitter. Criteria: AMP/ASCO/CAP Guidelines, 2017. Collection method: clinical testing. Allele origin: somatic. Affected: yes.
Comment: Variant has Tier II (potential) clinical significance as a diagnostic inclusion criterion in embryonal rhabdomyosarcoma, based on the following evidence: 1) Diagnostic significance based on multiple small studies (Evidence Level C; PMIDs: 24436047, 34166060, 24332040, 25768946, 19809159).

Literature cited by the submitters: PubMed 24436047; PubMed 34166060; PubMed 24332040; PubMed 25768946; PubMed 19809159.